The following is an entry in ClinVar:

ClinVar aggregate classification (germline): Uncertain significance (1 of 4 stars; one submission).

Conditions:
Retinoblastoma (RB1). Also called: RETINOBLASTOMA, SOMATIC. Identifiers: Orphanet 790, MedGen C0035335, MeSH D012175, MONDO:0008380, OMIM 180200, HP:0009919. Disease mechanism: loss of function. Inheritance: Both sporadic and heritable forms are tested..

Allele frequency attached by ClinVar (database versions not stated): gnomAD exomes below 0.00001.
gnomAD v4.1: 1 of 1,613,208 alleles (0.000062%); highest among the groups gnomAD compares: East Asian, 0.0022%; no homozygotes.

Submission:

Labcorp Genetics (formerly Invitae), Labcorp
Classification: Uncertain significance for Retinoblastoma. Last evaluated: 2021-12-27. Review status: criteria provided, single submitter. Criteria: Invitae Variant Classification Sherloc (09022015). Collection method: clinical testing. Allele origin: germline.
Comment: This sequence change replaces leucine, which is neutral and non-polar, with phenylalanine, which is neutral and non-polar, at codon 586 of the RB1 protein (p.Leu586Phe). This variant is not present in population databases (gnomAD no frequency). This variant has not been reported in the literature in individuals affected with RB1-related conditions. Algorithms developed to predict the effect of missense changes on protein structure and function output the following: SIFT: "Tolerated"; PolyPhen-2: "Benign"; Align-GVGD: "Class C0". The phenylalanine amino acid residue is found in multiple mammalian species, which suggests that this missense change does not adversely affect protein function. In summary, the available evidence is currently insufficient to determine the role of this variant in disease. Therefore, it has been classified as a Variant of Uncertain Significance.

NM_000321.3(RB1):c.1756C>T (p.Leu586Phe)

Gene: RB1 (RB transcriptional corepressor 1; plus strand). Cytogenetic location: 13q14.2.
Variant type: single nucleotide variant.
Coding change: c.1756C>T on transcript NM_000321.3 (MANE Select); coding-DNA position 1756, C replaced by T.
Protein change: p.Leu586Phe; replaces leucine 586 with phenylalanine.
Molecular consequence: missense variant.
Genome position (GRCh38, 1-based): chr13:48,453,053, C>T. VCF-style: chr13-48453053-C-T. GRCh37 (hg19) VCF-style: chr13-49027189-C-T.
Other names: short protein forms L586F.
Identifiers: ClinVar variation 1472631 (VCV001472631.8), dbSNP rs2138327178, ClinGen allele CA388165549.
Genomic context (GRCh38, chr13:48,453,053, plus strand): 5'-GATTCACCTTTATTTGATCTTATTAAACAATCAAAGGACCGAGAAGGACCAACTGATCAC[C>T]TTGAATCTGCTTGTCCTCTTAATCTTCCTCTCCAGAATAATCACACTGCAGCAGATATGT-3'
Protein context (NP_000312.2, residues 576-596): SKDREGPTDH[Leu586Phe]ESACPLNLPL